The following is an entry in ClinVar:

NM_003334.4(UBA1):c.400C>T (p.Arg134Cys)

Gene: UBA1 (ubiquitin like modifier activating enzyme 1; plus strand). Cytogenetic location: Xp11.3.
Variant type: single nucleotide variant.
Coding change: c.400C>T on transcript NM_003334.4 (MANE Select); coding-DNA position 400, C replaced by T.
Protein change: p.Arg134Cys; replaces arginine 134 with cysteine.
Molecular consequence: missense variant.
Genome position (GRCh38, 1-based): chrX:47,199,534, C>T. VCF-style: chrX-47199534-C-T. GRCh37 (hg19) VCF-style: chrX-47058933-C-T.
Other names: c.400C>T, p.Arg134Cys (NM_153280.3); short protein forms R134C.
Identifiers: ClinVar variation 3625469 (VCV003625469.1).

ClinVar aggregate classification (germline): Uncertain significance (1 of 4 stars; one submission).

Conditions:
Infantile-onset X-linked spinal muscular atrophy. Also called: Spinal Muscular Atrophy, X-Linked Infantile; Spinal muscular atrophy, X-linked 2; AMC, DISTAL, X-LINKED; ARTHROGRYPOSIS, X-LINKED, TYPE I; SPINAL MUSCULAR ATROPHY, X-LINKED LETHAL INFANTILE. Identifiers: Orphanet 1145, MedGen C1844934, MONDO:0010532, OMIM 301830.

Submission:

Labcorp Genetics (formerly Invitae), Labcorp
Classification: Uncertain significance for Infantile-onset X-linked spinal muscular atrophy. Last evaluated: 2024-06-11. Review status: criteria provided, single submitter. Criteria: Invitae Variant Classification Sherloc (09022015). Collection method: clinical testing. Allele origin: germline.
Comment: This sequence change replaces arginine, which is basic and polar, with cysteine, which is neutral and slightly polar, at codon 134 of the UBA1 protein (p.Arg134Cys). This variant is present in population databases (rs376327849, gnomAD 0.01%). This variant has not been reported in the literature in individuals affected with UBA1-related conditions. An algorithm developed to predict the effect of missense changes on protein structure and function (PolyPhen-2) suggests that this variant is likely to be disruptive. In summary, the available evidence is currently insufficient to determine the role of this variant in disease. Therefore, it has been classified as a Variant of Uncertain Significance.